The following is an entry in ClinVar:

ClinVar aggregate classification (germline): Conflicting classifications of pathogenicity. Review status: criteria provided, conflicting classifications (1 of 4 stars). 2 submissions from 2 submitters: Uncertain significance (1); Likely benign (1). Last evaluated 2026-04-20.

Conditions:
PKD1-related disorder. Also called: PKD1-related condition.

Allele frequency attached by ClinVar (database versions not stated): ExAC 0.00010; ESP Exome Variant Server 0.00023; gnomAD 0.00023; TOPMed 0.00029; 1000 Genomes Project 30x 0.00078; 1000 Genomes Project 0.00080.
gnomAD v4.1: 84 of 1,605,482 alleles (0.0052%); highest among the groups gnomAD compares: Middle Eastern, 0.11%; no homozygotes.

Submissions (2):

PreventionGenetics, part of Exact Sciences
Classification: Likely benign for PKD1-related condition. Last evaluated: 2026-04-20. Review status: criteria provided, single submitter. Criteria: ACMG Guidelines, 2015. Collection method: clinical testing. Allele origin: germline.
Comment: This variant is classified as likely benign based on ACMG/AMP sequence variant interpretation guidelines (Richards et al. 2015 PMID: 25741868, with internal and published modifications).

GeneDx
Classification: Uncertain significance. Last evaluated: 2022-11-07. Review status: criteria provided, single submitter. Criteria: GeneDx Variant Classification Process June 2021. Collection method: clinical testing. Allele origin: germline. Affected: yes.
Comment: In silico analysis supports that this missense variant does not alter protein structure/function; Has not been previously published as pathogenic or benign to our knowledge

NM_001009944.3(PKD1):c.3031G>A (p.Val1011Ile)

Gene: PKD1 (polycystin 1, transient receptor potential channel interacting; minus strand). Cytogenetic location: 16p13.3.
Variant type: single nucleotide variant.
Coding change: c.3031G>A on transcript NM_001009944.3 (MANE Select); coding-DNA position 3031, G replaced by A.
Protein change: p.Val1011Ile; replaces valine 1011 with isoleucine.
Molecular consequence: missense variant.
Genome position (GRCh38, 1-based): chr16:2,112,918, C>T on the plus strand (G>A on the coding strand, the complement: PKD1 is on the minus strand). VCF-style: chr16-2112918-C-T. GRCh37 (hg19) VCF-style: chr16-2162919-C-T.
Other names: c.3031G>A, p.Val1011Ile (NM_000296.4); short protein forms V1011I.
Identifiers: ClinVar variation 2501634 (VCV002501634.2), dbSNP rs2369066, ClinGen allele CA7832980.